The following is an entry in ClinVar:

ClinVar aggregate classification (germline): Uncertain significance (1 of 4 stars; one submission).

Conditions:
Familial hemiplegic migraine. Identifiers: MedGen C0338484, MONDO:0000700.

Allele frequency attached by ClinVar (database versions not stated): gnomAD exomes below 0.00001.
gnomAD v4.1: 1 of 1,614,210 alleles (0.000062%); highest among the groups gnomAD compares: Admixed American, 0.0017%; no homozygotes.

Submission:

Labcorp Genetics (formerly Invitae), Labcorp
Classification: Uncertain significance for Familial hemiplegic migraine. Last evaluated: 2020-08-30. Review status: criteria provided, single submitter. Criteria: Invitae Variant Classification Sherloc (09022015). Collection method: clinical testing. Allele origin: germline.
Comment: In summary, the available evidence is currently insufficient to determine the role of this variant in disease. Therefore, it has been classified as a Variant of Uncertain Significance. Advanced modeling of protein sequence and biophysical properties (such as structural, functional, and spatial information, amino acid conservation, physicochemical variation, residue mobility, and thermodynamic stability) performed at Invitae indicates that this missense variant is not expected to disrupt ATP1A2 protein function. This variant has not been reported in the literature in individuals with ATP1A2-related conditions. This variant is not present in population databases (ExAC no frequency). This sequence change replaces proline with arginine at codon 497 of the ATP1A2 protein (p.Pro497Arg). The proline residue is highly conserved and there is a moderate physicochemical difference between proline and arginine.

NM_000702.4(ATP1A2):c.1490C>G (p.Pro497Arg)

Gene: ATP1A2 (ATPase Na+/K+ transporting subunit alpha 2; plus strand). Cytogenetic location: 1q23.2.
Variant type: single nucleotide variant.
Coding change: c.1490C>G on transcript NM_000702.4 (MANE Select); coding-DNA position 1490, C replaced by G.
Protein change: p.Pro497Arg; replaces proline 497 with arginine.
Molecular consequence: missense variant.
Genome position (GRCh38, 1-based): chr1:160,130,130, C>G. VCF-style: chr1-160130130-C-G. GRCh37 (hg19) VCF-style: chr1-160099920-C-G.
Other names: short protein forms P497R.
Identifiers: ClinVar variation 1057896 (VCV001057896.9), dbSNP rs1651723270, ClinGen allele CA343242955.